The following is an entry in ClinVar:

NM_021971.4(GMPPB):c.1041_1043dup (p.Ser348dup)

Gene: GMPPB (GDP-mannose pyrophosphorylase B; minus strand). Cytogenetic location: 3p21.31.
Variant type: Duplication.
Coding change: c.1041_1043dup on transcript NM_021971.4 (MANE Select); coding-DNA positions 1041 to 1043, 3 bases duplicated (GTC; older notation c.1041_1043dupGTC).
Protein change: p.Ser348dup; duplicates serine 348.
Molecular consequence: inframe insertion.
Genome position (GRCh38, 1-based): chr3:49,721,792-49,721,794, GAC duplicated on the plus strand (GTC on the coding strand, the reverse complement: GMPPB is on the minus strand). VCF-style (leftmost placement, unchanged base first): chr3-49721791-A-AGAC. GRCh37 (hg19) VCF-style: chr3-49759224-A-AGAC.
Other names: c.1122_1124dup, p.Ser375dup (NM_013334.4); c.1122_1124dupGTC (NM_013334.3).
Identifiers: ClinVar variation 424531 (VCV000424531.2), dbSNP rs1553691668, ClinGen allele CA16617992.

ClinVar aggregate classification (germline): Uncertain significance (1 of 4 stars; one submission).

Submission:

GeneDx
Classification: Uncertain significance. Last evaluated: 2017-03-22. Review status: criteria provided, single submitter. Criteria: GeneDx Variant Classification (06012015). Collection method: clinical testing. Allele origin: germline. Affected: yes.
Comment: The c.1122_1124dupGTC variant in the GMPPB gene has not been reported previously as a pathogenic variant nor as a benign variant, to our knowledge. The c.1122_1124dupGTC variant results in the duplication of a Serine residue at codon 375, denoted p.Ser375dup. The c.1122_1124dupGTC variant is not observed in large population cohorts (Lek et al., 2016; 1000 Genomes Consortium et al., 2015; Exome Variant Server). We interpret c.1122_1124dupGTC as a variant of uncertain significance.